The following is an entry in ClinVar:

ClinVar aggregate classification (germline): Benign/Likely benign. Review status: criteria provided, multiple submitters, no conflicts (2 of 4 stars). 4 submissions from 2 submitters: Benign (2); Likely benign (2). Last evaluated 2018-01-13.

Conditions:
Cone-rod dystrophy 2 (CORD2). Also called: CONE-ROD RETINAL DYSTROPHY; Cone-rod retinal dystrophy 2. Identifiers: Orphanet 1872, MedGen C3489532, MONDO:0007362, OMIM 120970.
Leber congenital amaurosis 7 (LCA7). Identifiers: Orphanet 65, MedGen C3151192, MONDO:0013449, OMIM 613829.
Retinitis pigmentosa (RP). Identifiers: Orphanet 791, MedGen C0035334, MeSH D012174, MONDO:0019200, OMIM 268000. Inheritance: Autosomal dominant, autosomal recessive and X linked inheritance.

Allele frequency attached by ClinVar (database versions not stated): 1000 Genomes Project 0.00559; 1000 Genomes Project 30x 0.00625; TOPMed 0.01085; gnomAD 0.01212 and 0.01254.

Submissions (4):

Illumina Laboratory Services, Illumina
Classification: Benign for Retinitis pigmentosa. Last evaluated: 2018-01-13. Review status: criteria provided, single submitter. Criteria: ICSL Variant Classification Criteria 13 December 2019. Collection method: clinical testing. Allele origin: germline.
Comment: This variant was observed in the ICSL laboratory as part of a predisposition screen in an ostensibly healthy population. It had not been previously curated by ICSL or reported in the Human Gene Mutation Database (HGMD: prior to June 1st, 2018), and was therefore a candidate for classification through an automated scoring system. Utilizing variant allele frequency, disease prevalence and penetrance estimates, and inheritance mode, an automated score was calculated to assess if this variant is too frequent to cause the disease. Based on the score and internal cut-off values, a variant classified as benign is not then subjected to further curation. The score for this variant resulted in a classification of benign for this disease.

Illumina Laboratory Services, Illumina
Classification: Benign for Cone-rod dystrophy 2. Last evaluated: 2018-01-13. Review status: criteria provided, single submitter. Criteria: ICSL Variant Classification Criteria 13 December 2019. Collection method: clinical testing. Allele origin: germline.
Comment: the same text as in the submission from Illumina Laboratory Services, Illumina above.

Illumina Laboratory Services, Illumina
Classification: Likely benign for Leber congenital amaurosis 7. Last evaluated: 2018-01-13. Review status: criteria provided, single submitter. Criteria: ICSL Variant Classification Criteria 13 December 2019. Collection method: clinical testing. Allele origin: germline.
Comment: This variant was observed in the ICSL laboratory as part of a predisposition screen in an ostensibly healthy population. It had not been previously curated by ICSL or reported in the Human Gene Mutation Database (HGMD: prior to June 1st, 2018), and was therefore a candidate for classification through an automated scoring system. Utilizing variant allele frequency, disease prevalence and penetrance estimates, and inheritance mode, an automated score was calculated to assess if this variant is too frequent to cause the disease. Based on the score and internal cut-off values, a variant classified as likely benign is not then subjected to further curation. The score for this variant resulted in a classification of likely benign for this disease.

Breakthrough Genomics
Classification: Likely benign. Review status: criteria provided, single submitter. Criteria: ACMG Guidelines, 2015. Collection method: not provided. Allele origin: germline. Inheritance: Autosomal dominant inheritance. Affected: yes.

NM_000554.6(CRX):c.*2299C>T

Gene: CRX (cone-rod homeobox; plus strand). Cytogenetic location: 19q13.33.
Variant type: single nucleotide variant.
Coding change: c.*2299C>T on transcript NM_000554.6 (MANE Select); 2299 bases downstream of the stop codon, C replaced by T.
Molecular consequence: 3 prime UTR variant.
Genome position (GRCh38, 1-based): chr19:47,842,266, C>T. VCF-style: chr19-47842266-C-T. GRCh37 (hg19) VCF-style: chr19-48345523-C-T.
Identifiers: ClinVar variation 329759 (VCV000329759.6), dbSNP rs73038757, ClinGen allele CA10652653.